The following is an entry in ClinVar:

ClinVar aggregate classification (germline): Conflicting classifications of pathogenicity. Review status: criteria provided, conflicting classifications (1 of 4 stars). 2 submissions from 2 submitters: Uncertain significance (1); Likely benign (1). Last evaluated 2025-12-09.

Conditions:
Hereditary cancer-predisposing syndrome. Also called: Neoplastic Syndromes, Hereditary; Hereditary Cancer Syndrome; Tumor predisposition; Hereditary neoplastic syndrome. Identifiers: Orphanet 140162, MedGen C0027672, MeSH D009386, MONDO:0015356.

Allele frequency attached by ClinVar (database versions not stated): gnomAD exomes below 0.00001; gnomAD 0.00001; TOPMed 0.00001.
gnomAD v4.1: 5 of 1,613,756 alleles (0.00031%); highest among the groups gnomAD compares: African/African-American, 0.0013%; no homozygotes.

Submissions (2):

Ambry Genetics
Classification: Likely benign for Hereditary cancer-predisposing syndrome. Last evaluated: 2025-12-09. Review status: criteria provided, single submitter. Criteria: Ambry Variant Classification Scheme 2023. Collection method: clinical testing. Allele origin: germline.

Labcorp Genetics (formerly Invitae), Labcorp
Classification: Uncertain significance. Last evaluated: 2025-02-17. Review status: criteria provided, single submitter. Criteria: Invitae Variant Classification Sherloc (09022015). Collection method: clinical testing. Allele origin: germline.
Comment: This sequence change replaces asparagine, which is neutral and polar, with serine, which is neutral and polar, at codon 1869 of the POLE protein (p.Asn1869Ser). This variant is present in population databases (no rsID available, gnomAD 0.0009%). This variant has not been reported in the literature in individuals affected with POLE-related conditions. ClinVar contains an entry for this variant (Variation ID: 852643). Invitae Evidence Modeling of protein sequence and biophysical properties (such as structural, functional, and spatial information, amino acid conservation, physicochemical variation, residue mobility, and thermodynamic stability) indicates that this missense variant is not expected to disrupt POLE protein function with a negative predictive value of 80%. In summary, the available evidence is currently insufficient to determine the role of this variant in disease. Therefore, it has been classified as a Variant of Uncertain Significance.

NM_006231.4(POLE):c.5606A>G (p.Asn1869Ser)

Gene: POLE (DNA polymerase epsilon, catalytic subunit; minus strand). Cytogenetic location: 12q24.33.
Variant type: single nucleotide variant.
Coding change: c.5606A>G on transcript NM_006231.4 (MANE Select); coding-DNA position 5606, A replaced by G.
Protein change: p.Asn1869Ser; replaces asparagine 1869 with serine.
Molecular consequence: missense variant.
Genome position (GRCh38, 1-based): chr12:132,638,086, T>C on the plus strand (A>G on the coding strand, the complement: POLE is on the minus strand). VCF-style: chr12-132638086-T-C. GRCh37 (hg19) VCF-style: chr12-133214672-T-C.
Other names: c.5606A>G (NM_006231.2); short protein forms N1869S.
Identifiers: ClinVar variation 852643 (VCV000852643.10), dbSNP rs1397189983, ClinGen allele CA387374112.